The following is an entry in ClinVar:

NM_000263.4(NAGLU):c.875G>A (p.Gly292Glu)

Gene: NAGLU (N-acetyl-alpha-glucosaminidase; plus strand). Cytogenetic location: 17q21.2.
Variant type: single nucleotide variant.
Coding change: c.875G>A on transcript NM_000263.4 (MANE Select); coding-DNA position 875, G replaced by A.
Protein change: p.Gly292Glu; replaces glycine 292 with glutamic acid.
Molecular consequence: missense variant.
Genome position (GRCh38, 1-based): chr17:42,541,060, G>A. VCF-style: chr17-42541060-G-A. GRCh37 (hg19) VCF-style: chr17-40693078-G-A.
Other names: short protein forms G292E.
Identifiers: ClinVar variation 1511855 (VCV001511855.6), dbSNP rs1209988199, ClinGen allele CA399600115.
Genomic context (GRCh38, chr17:42,541,060, plus strand): 5'-ACTGTTCCTACTCCTGCTCCTTCCTTCTGGCTCCGGAAGACCCCATATTCCCCATCATCG[G>A]GAGCCTCTTCCTGCGAGAGCTGATCAAAGAGTTTGGCACAGACCACATCTATGGGGCCGA-3'
Protein context (NP_000254.2, residues 282-302): APEDPIFPII[Gly292Glu]SLFLRELIKE

ClinVar aggregate classification (germline): Likely pathogenic (1 of 4 stars; one submission).

Conditions:
Mucopolysaccharidosis, MPS-III-B (MPS3B). Also called: N-ACETYL-ALPHA-D-GLUCOSAMINIDASE DEFICIENCY; NAGLU DEFICIENCY; SANFILIPPO SYNDROME B; MPS III B; MPS IIIB (Sanfilippo Syndrome Type B); MUCOPOLYSACCHARIDOSIS, TYPE IIIB. Identifiers: Orphanet 79270, MedGen C0086648, MONDO:0009656, OMIM 252920.
Charcot-Marie-Tooth disease axonal type 2V. Also called: CHARCOT-MARIE-TOOTH NEUROPATHY, TYPE 2V; CHARCOT-MARIE-TOOTH DISEASE, AXONAL, AUTOSOMAL DOMINANT, TYPE 2V. Identifiers: Orphanet 447964, MedGen C5569050, MONDO:0014665, OMIM 616491.

Allele frequency attached by ClinVar (database versions not stated): TOPMed below 0.00001.

Submission:

Labcorp Genetics (formerly Invitae), Labcorp
Classification: Likely pathogenic for Charcot-Marie-Tooth disease axonal type 2V; Mucopolysaccharidosis, MPS-III-B. Last evaluated: 2023-02-03. Review status: criteria provided, single submitter. Criteria: Invitae Variant Classification Sherloc (09022015). Collection method: clinical testing. Allele origin: germline.
Comment: In summary, the currently available evidence indicates that the variant is pathogenic, but additional data are needed to prove that conclusively. Therefore, this variant has been classified as Likely Pathogenic. This variant disrupts the p.Gly292 amino acid residue in NAGLU. Other variant(s) that disrupt this residue have been determined to be pathogenic (PMID: 9950362, 11153910, 14984474, 27590925, 30809705). This suggests that this residue is clinically significant, and that variants that disrupt this residue are likely to be disease-causing. This sequence change replaces glycine, which is neutral and non-polar, with glutamic acid, which is acidic and polar, at codon 292 of the NAGLU protein (p.Gly292Glu). This variant is not present in population databases (gnomAD no frequency). This variant has not been reported in the literature in individuals affected with NAGLU-related conditions. ClinVar contains an entry for this variant (Variation ID: 1511855). Advanced modeling of protein sequence and biophysical properties (such as structural, functional, and spatial information, amino acid conservation, physicochemical variation, residue mobility, and thermodynamic stability) performed at Invitae indicates that this missense variant is expected to disrupt NAGLU protein function.

Literature cited by the submitters: PubMed 9950362; PubMed 11153910; PubMed 14984474; PubMed 27590925; PubMed 30809705.